The following is an entry in ClinVar:

NM_032977.4(CASP10):c.790C>G (p.Leu264Val)

Gene: CASP10 (caspase 10; plus strand). Cytogenetic location: 2q33.1.
Variant type: single nucleotide variant.
Coding change: c.790C>G on transcript NM_032977.4 (MANE Select); coding-DNA position 790, C replaced by G.
Protein change: p.Leu264Val; replaces leucine 264 with valine.
Molecular consequence: missense variant. On other transcripts: intron variant (4).
Genome position (GRCh38, 1-based): chr2:201,205,950, C>G. VCF-style: chr2-201205950-C-G. GRCh37 (hg19) VCF-style: chr2-202070673-C-G.
Other names: c.790C>G, p.Leu264Val (NM_032974.5); c.685-2125C>G (NM_001206542.2, NM_001230.5); c.722-2125C>G (NM_032976.4); c.721+2184C>G (NM_001206524.2); short protein forms L264V.
Identifiers: ClinVar variation 3756222 (VCV003756222.2).

ClinVar aggregate classification (germline): Uncertain significance (1 of 4 stars; one submission).

Conditions:
Autoimmune lymphoproliferative syndrome type 2A (ALPS2A). Also called: CASP10-Related Autoimmune Lymphoproliferative Syndrome; AUTOIMMUNE LYMPHOPROLIFERATIVE SYNDROME, TYPE IIA; Autoimmune lymphoproliferative syndrome type 2. Identifiers: Orphanet 3261, MedGen C1858968, MONDO:0011383, OMIM 603909.

gnomAD v4.1: 2 of 1,612,386 alleles (0.00012%); highest among the groups gnomAD compares: African/African-American, 0.0027%; no homozygotes.

Submission:

Labcorp Genetics (formerly Invitae), Labcorp
Classification: Uncertain significance for Autoimmune lymphoproliferative syndrome type 2A. Last evaluated: 2024-05-06. Review status: criteria provided, single submitter. Criteria: Invitae Variant Classification Sherloc (09022015). Collection method: clinical testing. Allele origin: germline.
Comment: This sequence change replaces leucine, which is neutral and non-polar, with valine, which is neutral and non-polar, at codon 264 of the CASP10 protein (p.Leu264Val). This variant is not present in population databases (gnomAD no frequency). This variant has not been reported in the literature in individuals affected with CASP10-related conditions. Advanced modeling of protein sequence and biophysical properties (such as structural, functional, and spatial information, amino acid conservation, physicochemical variation, residue mobility, and thermodynamic stability) performed at Invitae indicates that this missense variant is not expected to disrupt CASP10 protein function with a negative predictive value of 80%. In summary, the available evidence is currently insufficient to determine the role of this variant in disease. Therefore, it has been classified as a Variant of Uncertain Significance.